The following is an entry in ClinVar:

ClinVar aggregate classification (germline): Uncertain significance. Review status: criteria provided, multiple submitters, no conflicts (2 of 4 stars). 2 submissions from 2 submitters: Uncertain significance (2). Last evaluated 2024-09-12.

Conditions:
Episodic ataxia type 2 (EA2). Also called: ACETAZOLAMIDE-RESPONSIVE HEREDITARY PAROXYSMAL CEREBELLAR ATAXIA; EPISODIC ATAXIA, NYSTAGMUS-ASSOCIATED; ATAXIA, EPISODIC, WITH NYSTAGMUS; ATAXIA, FAMILIAL PAROXYSMAL; CEREBELLAR ATAXIA, PAROXYSMAL, ACETAZOLAMIDE-RESPONSIVE; CEREBELLOPATHY, HEREDITARY PAROXYSMAL. Identifiers: Orphanet 97, MedGen C1720416, MONDO:0007163, OMIM 108500.
Developmental and epileptic encephalopathy, 42 (DEE42A). Also called: DEVELOPMENTAL AND EPILEPTIC ENCEPHALOPATHY 42A; EPILEPTIC ENCEPHALOPATHY, EARLY INFANTILE, 42A; Epileptic encephalopathy, early infantile, 42. Identifiers: MedGen C4310716, MONDO:0014917, OMIM 617106.

Allele frequency attached by ClinVar (database versions not stated): gnomAD 0.00001.
gnomAD v4.1: 1 of 1,612,750 alleles (0.000062%); highest among the groups gnomAD compares: African/African-American, 0.0013%; no homozygotes.

Submissions (2):

GeneDx
Classification: Uncertain significance. Last evaluated: 2024-09-12. Review status: criteria provided, single submitter. Criteria: GeneDx Variant Classification Process June 2021. Collection method: clinical testing. Allele origin: germline. Affected: yes.
Comment: Not observed at significant frequency in large population cohorts (gnomAD); In silico analysis supports that this missense variant has a deleterious effect on protein structure/function; Has not been previously published as pathogenic or benign to our knowledge

Labcorp Genetics (formerly Invitae), Labcorp
Classification: Uncertain significance for Developmental and epileptic encephalopathy, 42; Episodic ataxia type 2. Last evaluated: 2022-03-14. Review status: criteria provided, single submitter. Criteria: Invitae Variant Classification Sherloc (09022015). Collection method: clinical testing. Allele origin: germline.
Comment: In summary, the available evidence is currently insufficient to determine the role of this variant in disease. Therefore, it has been classified as a Variant of Uncertain Significance. Advanced modeling of protein sequence and biophysical properties (such as structural, functional, and spatial information, amino acid conservation, physicochemical variation, residue mobility, and thermodynamic stability) performed at Invitae indicates that this missense variant is expected to disrupt CACNA1A protein function. This variant has not been reported in the literature in individuals affected with CACNA1A-related conditions. This sequence change replaces isoleucine, which is neutral and non-polar, with phenylalanine, which is neutral and non-polar, at codon 1489 of the CACNA1A protein (p.Ile1489Phe). This variant is not present in population databases (gnomAD no frequency).

NM_001127222.2(CACNA1A):c.4462A>T (p.Ile1488Phe)

Gene: CACNA1A (calcium voltage-gated channel subunit alpha1 A; minus strand). Cytogenetic location: 19p13.13.
Variant type: single nucleotide variant.
Coding change: c.4462A>T on transcript NM_001127222.2 (MANE Select); coding-DNA position 4462, A replaced by T.
Protein change: p.Ile1488Phe; replaces isoleucine 1488 with phenylalanine.
Molecular consequence: missense variant.
Genome position (GRCh38, 1-based): chr19:13,257,478, T>A on the plus strand (A>T on the coding strand, the complement: CACNA1A is on the minus strand). VCF-style: chr19-13257478-T-A. GRCh37 (hg19) VCF-style: chr19-13368292-T-A.
Other names: c.4465A>T (NM_001127221.1); c.4474A>T, p.Ile1492Phe (NM_000068.4, NM_023035.3); c.4465A>T, p.Ile1489Phe (NM_001127221.2, NM_001174080.2); short protein forms I1488F, I1489F, I1492F.
Identifiers: ClinVar variation 1440668 (VCV001440668.9), dbSNP rs2056601798, ClinGen allele CA404339010.